The following is an entry in ClinVar:

ClinVar aggregate classification (germline): Uncertain significance (1 of 4 stars; one submission).

Conditions:
Developmental and epileptic encephalopathy, 32 (DEE32). Also called: Epileptic encephalopathy, early infantile, 32. Identifiers: Orphanet 442835, MedGen C4225350, MONDO:0014607, OMIM 616366.

gnomAD v4.1: 2 of 1,614,200 alleles (0.00012%); highest among the groups gnomAD compares: Non-Finnish European, 0.00017%; no homozygotes.

Submission:

Labcorp Genetics (formerly Invitae), Labcorp
Classification: Uncertain significance for Developmental and epileptic encephalopathy, 32. Last evaluated: 2024-06-22. Review status: criteria provided, single submitter. Criteria: Invitae Variant Classification Sherloc (09022015). Collection method: clinical testing. Allele origin: germline.
Comment: This sequence change affects codon 297 of the KCNA2 mRNA. It is a 'silent' change, meaning that it does not change the encoded amino acid sequence of the KCNA2 protein. This variant is not present in population databases (gnomAD no frequency). This variant has not been reported in the literature in individuals affected with KCNA2-related conditions. Algorithms developed to predict the effect of sequence changes on RNA splicing suggest that this variant may create or strengthen a splice site. In summary, the available evidence is currently insufficient to determine the role of this variant in disease. Therefore, it has been classified as a Variant of Uncertain Significance.

NM_004974.4(KCNA2):c.889C>A (p.Arg297=)

Gene: KCNA2 (potassium voltage-gated channel subfamily A member 2; minus strand). Cytogenetic location: 1p13.3.
Variant type: single nucleotide variant.
Coding change: c.889C>A on transcript NM_004974.4 (MANE Select); coding-DNA position 889, C replaced by A.
Protein change: p.Arg297=; no amino-acid change (arginine 297 retained).
Molecular consequence: synonymous variant.
Genome position (GRCh38, 1-based): chr1:110,603,894, G>T on the plus strand (C>A on the coding strand, the complement: KCNA2 is on the minus strand). VCF-style: chr1-110603894-G-T. GRCh37 (hg19) VCF-style: chr1-111146516-G-T.
Other names: c.889C>A, p.Arg297= (NM_001204269.2).
Identifiers: ClinVar variation 3642863 (VCV003642863.2).